The following is an entry in ClinVar:

ClinVar aggregate classification (germline): Uncertain significance (1 of 4 stars; one submission).

Allele frequency attached by ClinVar (database versions not stated): gnomAD exomes below 0.00001.
gnomAD v4.1: 2 of 1,613,528 alleles (0.00012%); highest among the groups gnomAD compares: Middle Eastern, 0.035%; no homozygotes.

Submission:

Labcorp Genetics (formerly Invitae), Labcorp
Classification: Uncertain significance. Last evaluated: 2022-11-23. Review status: criteria provided, single submitter. Criteria: Invitae Variant Classification Sherloc (09022015). Collection method: clinical testing. Allele origin: germline.
Comment: In summary, the available evidence is currently insufficient to determine the role of this variant in disease. Therefore, it has been classified as a Variant of Uncertain Significance. Advanced modeling of protein sequence and biophysical properties (such as structural, functional, and spatial information, amino acid conservation, physicochemical variation, residue mobility, and thermodynamic stability) performed at Invitae indicates that this missense variant is not expected to disrupt PROM1 protein function. ClinVar contains an entry for this variant (Variation ID: 1055586). This variant has not been reported in the literature in individuals affected with PROM1-related conditions. This variant is not present in population databases (gnomAD no frequency). This sequence change replaces serine, which is neutral and polar, with asparagine, which is neutral and polar, at codon 324 of the PROM1 protein (p.Ser324Asn).

NM_006017.3(PROM1):c.971G>A (p.Ser324Asn)

Gene: PROM1 (prominin 1; minus strand). Cytogenetic location: 4p15.32.
Variant type: single nucleotide variant.
Coding change: c.971G>A on transcript NM_006017.3 (MANE Select); coding-DNA position 971, G replaced by A.
Protein change: p.Ser324Asn; replaces serine 324 with asparagine.
Molecular consequence: missense variant.
Genome position (GRCh38, 1-based): chr4:16,018,354, C>T on the plus strand (G>A on the coding strand, the complement: PROM1 is on the minus strand). VCF-style: chr4-16018354-C-T. GRCh37 (hg19) VCF-style: chr4-16019977-C-T.
Other names: c.944G>A, p.Ser315Asn (NM_001145847.2, NM_001145848.2, NM_001145851.2 and 4 more transcripts); c.971G>A, p.Ser324Asn (NM_001145849.2, NM_001145850.2); short protein forms S315N, S324N.
Identifiers: ClinVar variation 1055586 (VCV001055586.9), dbSNP rs1728938088, ClinGen allele CA356419241.